The following is an entry in ClinVar:

ClinVar aggregate classification (germline): Likely benign. Review status: criteria provided, multiple submitters, no conflicts (2 of 4 stars). 3 submissions from 3 submitters: Likely benign (3). Last evaluated 2025-09-14.

Conditions:
CACNA1D-related disorder.

Allele frequency attached by ClinVar (database versions not stated): TOPMed 0.00003; gnomAD 0.00004.
gnomAD v4.1: 20 of 1,608,128 alleles (0.0012%); highest among the groups gnomAD compares: African/African-American, 0.012%; no homozygotes.

Submissions (3):

Labcorp Genetics (formerly Invitae), Labcorp
Classification: Likely benign. Last evaluated: 2025-09-14. Review status: criteria provided, single submitter. Criteria: Invitae Variant Classification Sherloc (09022015). Collection method: clinical testing. Allele origin: germline.

PreventionGenetics, part of Exact Sciences
Classification: Likely benign for CACNA1D-related condition. Last evaluated: 2024-12-31. Review status: criteria provided, single submitter. Criteria: ACMG Guidelines, 2015. Collection method: clinical testing. Allele origin: germline.
Comment: This variant is classified as likely benign based on ACMG/AMP sequence variant interpretation guidelines (Richards et al. 2015 PMID: 25741868, with internal and published modifications).

Laboratory for Molecular Medicine, Mass General Brigham Personalized Medicine
Classification: Likely benign. Last evaluated: 2017-06-22. Review status: criteria provided, single submitter. Criteria: LMM Criteria. Collection method: clinical testing. Allele origin: germline. Observed: 1 variant allele.
Comment: p.Thr1967Thr in exon 47 of CACNA1D: This variant is not expected to have clinic al significance because it does not alter an amino acid residue and is not locat ed within the splice consensus sequence. It has been identified in 4/24000 Afri can chromosomes by the Genome Aggregation Database (gnomAD; dbSNP rs146425374).

NM_001128840.3(CACNA1D):c.5841G>A (p.Thr1947=)

Gene: CACNA1D (calcium voltage-gated channel subunit alpha1 D; plus strand). Cytogenetic location: 3p21.1.
Variant type: single nucleotide variant.
Coding change: c.5841G>A on transcript NM_001128840.3 (MANE Select); coding-DNA position 5841, G replaced by A.
Protein change: p.Thr1947=; no amino-acid change (threonine 1947 retained).
Molecular consequence: synonymous variant.
Genome position (GRCh38, 1-based): chr3:53,808,740, G>A. VCF-style: chr3-53808740-G-A. GRCh37 (hg19) VCF-style: chr3-53842767-G-A.
Other names: c.5901G>A (NM_000720.3); c.5901G>A, p.Thr1967= (NM_000720.4); c.5769G>A, p.Thr1923= (NM_001128839.3).
Identifiers: ClinVar variation 517429 (VCV000517429.10), dbSNP rs146425374, ClinGen allele CA2455286.